The following is an entry in ClinVar:

NM_000179.3(MSH6):c.3427C>T (p.Leu1143Phe)

Gene: MSH6 (mutS homolog 6; plus strand). Cytogenetic location: 2p16.3.
Variant type: single nucleotide variant.
Coding change: c.3427C>T on transcript NM_000179.3 (MANE Select); coding-DNA position 3427, C replaced by T.
Protein change: p.Leu1143Phe; replaces leucine 1143 with phenylalanine.
Molecular consequence: missense variant.
Genome position (GRCh38, 1-based): chr2:47,803,674, C>T. VCF-style: chr2-47803674-C-T. GRCh37 (hg19) VCF-style: chr2-48030813-C-T.
Other names: c.3037C>T, p.Leu1013Phe (NM_001281492.2); c.2521C>T, p.Leu841Phe (NM_001281493.2, NM_001281494.2); short protein forms L1143F, L1013F, L841F.
Identifiers: ClinVar variation 479973 (VCV000479973.22), dbSNP rs1236342555, ClinGen allele CA346758947.

ClinVar aggregate classification (germline): Conflicting classifications of pathogenicity. Review status: criteria provided, conflicting classifications (1 of 4 stars). 5 submissions from 5 submitters: Uncertain significance (4); Likely benign (1). Last evaluated 2025-09-26.

Conditions:
Hereditary nonpolyposis colorectal neoplasms. Identifiers: MedGen C0009405, MeSH D003123.
Hereditary cancer-predisposing syndrome. Also called: Hereditary Cancer Syndrome; Neoplastic Syndromes, Hereditary; Tumor predisposition; Hereditary neoplastic syndrome. Identifiers: Orphanet 140162, MedGen C0027672, MeSH D009386, MONDO:0015356.
Endometrial carcinoma. Also called: Endometrial carcinoma, somatic. Identifiers: MedGen C0476089, MONDO:0002447, OMIM 608089, HP:0012114.

Allele frequency attached by ClinVar (database versions not stated): gnomAD exomes below 0.00001.
gnomAD v4.1: 1 of 1,614,146 alleles (0.000062%); highest among the groups gnomAD compares: East Asian, 0.0022%; no homozygotes.

Submissions (5):

Ambry Genetics
Classification: Uncertain significance for Hereditary cancer-predisposing syndrome. Last evaluated: 2025-09-26. Review status: criteria provided, single submitter. Criteria: Ambry Variant Classification Scheme 2023. Collection method: clinical testing. Allele origin: germline.
Comment: The p.L1143F variant (also known as c.3427C>T), located in coding exon 5 of the MSH6 gene, results from a C to T substitution at nucleotide position 3427. The leucine at codon 1143 is replaced by phenylalanine, an amino acid with highly similar properties. This amino acid position is highly conserved in available vertebrate species. In addition, this alteration is predicted to be deleterious by in silico analysis. Since supporting evidence is limited at this time, the clinical significance of this alteration remains unclear.

Color Diagnostics, LLC DBA Color Health
Classification: Uncertain significance for Hereditary cancer-predisposing syndrome. Last evaluated: 2025-04-14. Review status: criteria provided, single submitter. Criteria: ACMG Guidelines, 2015. Collection method: clinical testing. Allele origin: germline.
Comment: This missense variant replaces leucine with phenylalanine at codon 1143 of the MSH6 protein. Computational prediction suggests that this variant may have deleterious impact on protein structure and function. To our knowledge, functional studies have not been reported for this variant. This variant has not been reported in individuals affected with MSH6-related disorders in the literature. This variant has been identified in 1/251306 chromosomes in the general population by the Genome Aggregation Database (gnomAD). The available evidence is insufficient to determine the role of this variant in disease conclusively. Therefore, this variant is classified as a Variant of Uncertain Significance.

Labcorp Genetics (formerly Invitae), Labcorp
Classification: Likely benign for Hereditary nonpolyposis colorectal neoplasms. Last evaluated: 2024-05-21. Review status: criteria provided, single submitter. Criteria: Invitae Variant Classification Sherloc (09022015). Collection method: clinical testing. Allele origin: germline.

Baylor Genetics
Classification: Uncertain significance for Endometrial carcinoma. Last evaluated: 2024-03-18. Review status: criteria provided, single submitter. Criteria: ACMG Guidelines, 2015. Collection method: clinical testing. Allele origin: unknown.

Sema4
Classification: Uncertain significance for Hereditary cancer-predisposing syndrome. Last evaluated: 2022-02-08. Review status: criteria provided, single submitter. Criteria: Sema4 Curation Guidelines. Collection method: curation. Allele origin: germline.
Comment: The MSH6 c.3427C>T (p.L1143F) variant has not been reported in the literature to our knowledge. It was observed in 1/18392 chromosomes of the East Asian subpopulation in the large and broad cohorts of the Genome Aggregation Database (PMID: 32461654). The variant has been reported in ClinVar (Variation ID 479973). In silico tools suggest the impact of the variant on protein function is deleterious, though these predictions have not been confirmed by functional studies. The evidence is insufficient to meet ACMG/AMP criteria for classifying the variant as benign or pathogenic. Thus, the clinical significance of this variant is currently uncertain.